The following is an entry in ClinVar:

ClinVar aggregate classification (germline): Uncertain significance (1 of 4 stars; one submission).

Allele frequency attached by ClinVar (database versions not stated): gnomAD exomes 0.00005 and 0.00009; ESP Exome Variant Server 0.00015; gnomAD 0.00016 and 0.00017; TOPMed 0.00021.
gnomAD v4.1: 97 of 1,613,238 alleles (0.006%); highest among the groups gnomAD compares: African/African-American, 0.051%; 1 homozygote.

Submission:

Labcorp Genetics (formerly Invitae), Labcorp
Classification: Uncertain significance. Last evaluated: 2024-11-09. Review status: criteria provided, single submitter. Criteria: Invitae Variant Classification Sherloc (09022015). Collection method: clinical testing. Allele origin: germline.
Comment: This sequence change replaces arginine, which is basic and polar, with glutamine, which is neutral and polar, at codon 273 of the CRAT protein (p.Arg273Gln). This variant is present in population databases (rs151083796, gnomAD 0.05%). This variant has not been reported in the literature in individuals affected with CRAT-related conditions. ClinVar contains an entry for this variant (Variation ID: 1439381). Invitae Evidence Modeling of protein sequence and biophysical properties (such as structural, functional, and spatial information, amino acid conservation, physicochemical variation, residue mobility, and thermodynamic stability) indicates that this missense variant is not expected to disrupt CRAT protein function with a negative predictive value of 80%. In summary, the available evidence is currently insufficient to determine the role of this variant in disease. Therefore, it has been classified as a Variant of Uncertain Significance.

NM_000755.5(CRAT):c.818G>A (p.Arg273Gln)

Gene: CRAT (carnitine O-acetyltransferase; minus strand). Cytogenetic location: 9q34.11.
Variant type: single nucleotide variant.
Coding change: c.818G>A on transcript NM_000755.5 (MANE Select); coding-DNA position 818, G replaced by A.
Protein change: p.Arg273Gln; replaces arginine 273 with glutamine.
Molecular consequence: missense variant.
Genome position (GRCh38, 1-based): chr9:129,100,677, C>T on the plus strand (G>A on the coding strand, the complement: CRAT is on the minus strand). VCF-style: chr9-129100677-C-T. GRCh37 (hg19) VCF-style: chr9-131862956-C-T.
Other names: c.755G>A, p.Arg252Gln (NM_001257363.3, NM_001346548.2, NM_004003.4); c.821G>A, p.Arg274Gln (NM_001346546.2); c.818G>A, p.Arg273Gln (NM_001346547.2); c.698G>A, p.Arg233Gln (NM_001346549.2); short protein forms R273Q, R274Q, R233Q, R252Q.
Identifiers: ClinVar variation 1439381 (VCV001439381.6), dbSNP rs151083796, ClinGen allele CA5275598.
Genomic context (GRCh38, chr9:129,100,677, plus strand): 5'-GGCATGGTTGCATCTAGGCACACGGTGAAGATGCTCTTCTGGATGGAGCGCACGGAATCC[C>T]GGTTCACCTTGTCTGCAGGTGGCATGGGGCGGGGAGACGCAAAATGGGGTCTCATGGTGT-3'
Protein context (NP_000746.3, residues 263-283): YNTLIKDKVN[Arg273Gln]DSVRSIQKSI